The following is an entry in ClinVar:

NM_016247.4(IMPG2):c.1705T>C (p.Leu569=)

Gene: IMPG2 (interphotoreceptor matrix proteoglycan 2; minus strand). Cytogenetic location: 3q12.3.
Variant type: single nucleotide variant.
Coding change: c.1705T>C on transcript NM_016247.4 (MANE Select); coding-DNA position 1705, T replaced by C.
Protein change: p.Leu569=; no amino-acid change (leucine 569 retained).
Molecular consequence: synonymous variant.
Genome position (GRCh38, 1-based): chr3:101,244,626, A>G on the plus strand (T>C on the coding strand, the complement: IMPG2 is on the minus strand). VCF-style: chr3-101244626-A-G. GRCh37 (hg19) VCF-style: chr3-100963470-A-G.
Other names: c.1705T>C (NM_016247.3).
Identifiers: ClinVar variation 1139530 (VCV001139530.12), dbSNP rs375430813, ClinGen allele CA2519106.

ClinVar aggregate classification (germline): Likely benign. Review status: criteria provided, multiple submitters, no conflicts (2 of 4 stars). 3 submissions from 3 submitters: Likely benign (2). 1 of the submissions does not count toward it. Last evaluated 2025-07-19.

Conditions:
IMPG2-related disorder. Also called: IMPG2-related condition.

Allele frequency attached by ClinVar (database versions not stated): gnomAD exomes 0.00002 and 0.00004; ExAC 0.00004; ESP Exome Variant Server 0.00008; gnomAD 0.00009 and 0.00011; TOPMed 0.00010.
gnomAD v4.1: 37 of 1,604,962 alleles (0.0023%); highest among the groups gnomAD compares: African/African-American, 0.043%; no homozygotes.

Submissions (3):

Labcorp Genetics (formerly Invitae), Labcorp
Classification: Likely benign. Last evaluated: 2025-07-19. Review status: criteria provided, single submitter. Criteria: Invitae Variant Classification Sherloc (09022015). Collection method: clinical testing. Allele origin: germline.

Blueprint Genetics
Classification: Likely benign. Last evaluated: 2024-05-16. Review status: criteria provided, single submitter. Criteria: ACMG Guidelines, 2015. Collection method: clinical testing. Allele origin: germline.

PreventionGenetics, part of Exact Sciences
Classification: Likely benign for IMPG2-related condition. Last evaluated: 2019-05-02. Review status: no assertion criteria provided. Collection method: clinical testing. Allele origin: germline. Not counted in ClinVar's aggregate classification.
Comment: This variant is classified as likely benign based on ACMG/AMP sequence variant interpretation guidelines (Richards et al. 2015 PMID: 25741868, with internal and published modifications).